The following is an entry in ClinVar:

ClinVar aggregate classification (germline): Uncertain significance (1 of 4 stars; one submission).

Submission:

Women's Health and Genetics/Laboratory Corporation of America, LabCorp
Classification: Uncertain significance. Last evaluated: 2025-05-06. Review status: criteria provided, single submitter. Criteria: LabCorp Variant Classification Summary - May 2015. Collection method: clinical testing. Allele origin: germline.
Comment: Variant summary: NPHS1 c.2387G>C (p.Gly796Ala) results in a non-conservative amino acid change in the encoded protein sequence. Algorithms developed to predict the effect of missense changes on protein structure and function all suggest that this variant is likely to be disruptive. The variant was absent in 251466 control chromosomes. The available data on variant occurrences in the general population are insufficient to allow any conclusion about variant significance. To our knowledge, no occurrence of c.2387G>C in individuals affected with Nephrotic Syndrome, Type 1 and no experimental evidence demonstrating its impact on protein function have been reported. No submitters have cited clinical-significance assessments for this variant to ClinVar. Based on the evidence outlined above, the variant was classified as uncertain significance.

NM_004646.4(NPHS1):c.2387G>C (p.Gly796Ala)

Gene: NPHS1 (NPHS1 adhesion molecule, nephrin; minus strand). Cytogenetic location: 19q13.12.
Variant type: single nucleotide variant.
Coding change: c.2387G>C on transcript NM_004646.4 (MANE Select); coding-DNA position 2387, G replaced by C.
Protein change: p.Gly796Ala; replaces glycine 796 with alanine.
Molecular consequence: missense variant.
Genome position (GRCh38, 1-based): chr19:35,842,498, C>G on the plus strand (G>C on the coding strand, the complement: NPHS1 is on the minus strand). VCF-style: chr19-35842498-C-G. GRCh37 (hg19) VCF-style: chr19-36333400-C-G.
Other names: short protein forms G796A.
Identifiers: ClinVar variation 3902451 (VCV003902451.1).